The following is an entry in ClinVar:

NM_003403.5(YY1):c.224_241del (p.His75_His80del)

Gene: YY1 (YY1 transcription factor; plus strand). Cytogenetic location: 14q32.2.
Variant type: Deletion.
Coding change: c.224_241del on transcript NM_003403.5 (MANE Select); coding-DNA positions 224 to 241, 18 bases deleted (ATCACCACCACCACCACC).
Protein change: p.His75_His80del.
Molecular consequence: inframe deletion. On other transcripts: inframe indel (1).
Genome position (GRCh38, 1-based): chr14:100,239,468-100,239,485, ATCACCACCACCACCACC deleted; deleting any 18 consecutive bases within chr14:100,239,452-100,239,485 gives the same sequence; the c. name uses the placement nearest the transcript's 3' end. VCF-style (leftmost placement, unchanged base first): chr14-100239451-CCACCACCACCACCACCAT-C. GRCh37 (hg19) VCF-style: chr14-100705788-CCACCACCACCACCACCAT-C.
Other names: c.224_241del18, p.His75_His80del (NM_003403.4).
Identifiers: ClinVar variation 4685379 (VCV004685379.2).

ClinVar aggregate classification (germline): Conflicting classifications of pathogenicity. Review status: criteria provided, conflicting classifications (1 of 4 stars). 2 submissions from 2 submitters: Uncertain significance (1); Likely benign (1). Last evaluated 2025-07-08.

Submissions (2):

GeneDx
Classification: Uncertain significance. Last evaluated: 2025-07-08. Review status: criteria provided, single submitter. Criteria: GeneDx Variant Classification Process June 2021. Collection method: clinical testing. Allele origin: germline. Affected: yes.
Comment: In-frame deletion of 6 amino acids in a non-repeat region; In silico analysis suggests that this variant does not alter protein structure/function; Has not been previously published as pathogenic or benign to our knowledge

Blueprint Genetics
Classification: Likely benign. Last evaluated: 2023-06-26. Review status: criteria provided, single submitter. Criteria: ACMG Guidelines, 2015. Collection method: clinical testing. Allele origin: germline.